The following is an entry in ClinVar:

NM_025114.4(CEP290):c.6452T>C (p.Leu2151Ser)

Gene: CEP290 (centrosomal protein 290; minus strand). Cytogenetic location: 12q21.32.
Variant type: single nucleotide variant.
Coding change: c.6452T>C on transcript NM_025114.4 (MANE Select); coding-DNA position 6452, T replaced by C.
Protein change: p.Leu2151Ser; replaces leucine 2151 with serine.
Molecular consequence: missense variant.
Genome position (GRCh38, 1-based): chr12:88,060,900, A>G on the plus strand (T>C on the coding strand, the complement: CEP290 is on the minus strand). VCF-style: chr12-88060900-A-G. GRCh37 (hg19) VCF-style: chr12-88454677-A-G.
Other names: short protein forms L2151S.
Identifiers: ClinVar variation 197574 (VCV000197574.26), dbSNP rs191613017, ClinGen allele CA202959.

ClinVar aggregate classification (germline): Conflicting classifications of pathogenicity. Review status: criteria provided, conflicting classifications (1 of 4 stars). 6 submissions from 6 submitters: Uncertain significance (1); Benign (2); Likely benign (2). 1 of the submissions does not count toward it. Last evaluated 2026-01-20.

Conditions:
Meckel-Gruber syndrome. Also called: Dysencephalia splachnocystica; DYSENCEPHALIA SPLANCHNOCYSTICA; GRUBER SYNDROME. Identifiers: Orphanet 564, MedGen C0265215, MONDO:0018921.
Joubert syndrome. Also called: Familial aplasia of the vermis; JOUBERT-BOLTSHAUSER SYNDROME. Identifiers: Orphanet 475, MedGen C5979921, MONDO:0018772.
Nephronophthisis. Also called: Juvenile Nephronophthisis. Identifiers: Orphanet 655, MedGen C0687120, MONDO:0019005, HP:0000090.
Leber congenital amaurosis (LCA). Also called: Leber's amaurosis. Identifiers: Orphanet 65, MedGen C0339527, MeSH D057130, MONDO:0018998.

Allele frequency attached by ClinVar (database versions not stated): 1000 Genomes Project 0.00040; ExAC 0.00067; gnomAD exomes 0.00032; ESP Exome Variant Server 0.00129; 1000 Genomes Project 30x 0.00031; TOPMed 0.00149.
gnomAD v4.1: 343 of 1,552,970 alleles (0.022%); highest among the groups gnomAD compares: African/African-American, 0.43%; 1 homozygote.

Submissions (6):

Labcorp Genetics (formerly Invitae), Labcorp
Classification: Likely benign for Joubert syndrome; Meckel-Gruber syndrome; Nephronophthisis. Last evaluated: 2026-01-20. Review status: criteria provided, single submitter. Criteria: Invitae Variant Classification Sherloc (09022015). Collection method: clinical testing. Allele origin: germline.

Genetic Services Laboratory, University of Chicago
Classification: Uncertain significance. Last evaluated: 2025-08-19. Review status: criteria provided, single submitter. Criteria: ACMG Guidelines, 2015. Collection method: clinical testing. Allele origin: germline.
Comment: DNA sequence analysis of the CEP290 gene demonstrated a sequence change, c.6452T>C, in exon 47 that results in an amino acid change, p.Leu2151Ser. This sequence change has been described in the gnomAD database with a frequency of 0.55% in the African/African American subpopulation (dbSNP rs191613017). The p.Leu2151Ser change affects a highly conserved amino acid residue located in a domain of the CEP290 protein that is not known to be functional. The p.Leu2151Ser substitution appears to be deleterious using several in-silico pathogenicity prediction tools (SIFT, PolyPhen2, Align GVGD, REVEL). This sequence change does not appear to have been previously described in individuals with CEP290-related disorders. Due to insufficient evidences and the lack of functional studies, the clinical significance of the p.Leu2151Ser change remains unknown at this time.

Blueprint Genetics
Classification: Benign. Last evaluated: 2024-11-22. Review status: criteria provided, single submitter. Criteria: ACMG Guidelines, 2015. Collection method: clinical testing. Allele origin: germline.

GeneDx
Classification: Likely benign. Last evaluated: 2021-04-22. Review status: criteria provided, single submitter. Criteria: GeneDx Variant Classification Process June 2021. Collection method: clinical testing. Allele origin: germline. Affected: yes.

Eurofins Ntd Llc (ga)
Classification: Benign. Last evaluated: 2015-06-01. Review status: criteria provided, single submitter. Criteria: EGL Classification Definitions 2015. Collection method: clinical testing. Allele origin: germline. Observed: 1 variant allele, 1 heterozygote.

Natera, Inc.
Classification: Benign for Leber congenital amaurosis. Last evaluated: 2019-11-11. Review status: no assertion criteria provided. Collection method: clinical testing. Allele origin: germline. Not counted in ClinVar's aggregate classification.